The following is an entry in ClinVar:

NM_000091.5(COL4A3):c.2602G>T (p.Gly868Ter)

Genes: MFF-DT (MFF divergent transcript; minus strand), COL4A3 (collagen type IV alpha 3 chain; plus strand). Cytogenetic location: 2q36.3.
Variant type: single nucleotide variant.
Coding change: c.2602G>T on transcript NM_000091.5 (MANE Select); coding-DNA position 2602, G replaced by T.
Protein change: p.Gly868Ter; replaces glycine 868 with a stop codon.
Molecular consequence: nonsense.
Genome position (GRCh38, 1-based): chr2:227,282,478, G>T. VCF-style: chr2-227282478-G-T. GRCh37 (hg19) VCF-style: chr2-228147194-G-T.
Other names: short protein forms G868*.
Identifiers: ClinVar variation 1725102 (VCV001725102.2), dbSNP rs2106164384, ClinGen allele CA350850582.
Genomic context (GRCh38, chr2:227,282,478, plus strand): 5'-AGATCAGGATTTCCTGGAGAAACTGGATCACCAGGAATTCCAGGTCATCAAGGTGAAATG[G>T]GACCACTGGGTCAAAGAGGATATCCAGGAAATCCGGGAATTTTAGGGCCACCAGGTATCC-3'

ClinVar aggregate classification (germline): Likely pathogenic (1 of 4 stars; one submission).

Conditions:
Autosomal recessive Alport syndrome (ATS2). Also called: COL4A3-Related Nephropathy; COL4A4 Alport Syndrome and Thin Basement Membrane Nephropathy; ALPORT SYNDROME 2, AUTOSOMAL RECESSIVE; Alport syndrome type 2. Identifiers: Orphanet 63, Orphanet 88919, MedGen C4746745, MONDO:0008762, OMIM 203780.

Submission:

Myriad Genetics, Inc.
Classification: Likely pathogenic for Autosomal recessive Alport syndrome. Last evaluated: 2022-03-08. Review status: criteria provided, single submitter. Criteria: Myriad Women's Health Autosomal Recessive and X-Linked Classification Criteria (2021). Collection method: clinical testing. Allele origin: unknown.
Comment: NM_000091.4(COL4A3):c.2602G>T(G868*) is expected to be pathogenic in the context of COL4A3-related Alport syndrome. This variant is predicted to lead to an abnormal or absent protein product due to the creation of a premature termination codon in COL4A3, a gene where loss-of-function variants are known to be pathogenic. Please note: this variant was assessed in the context of healthy population screening.